The following is an entry in ClinVar:

ClinVar aggregate classification (germline): Uncertain significance (1 of 4 stars; one submission).

Conditions:
Progressive familial heart block type IB (PFHB1B). Identifiers: Orphanet 871, MedGen C1970298, MONDO:0011474, OMIM 604559.

Allele frequency attached by ClinVar (database versions not stated): ExAC 0.00001; gnomAD 0.00001.
gnomAD v4.1: 1 of 1,614,034 alleles (0.000062%); highest among the groups gnomAD compares: South Asian, 0.0011%; no homozygotes.

Submission:

Labcorp Genetics (formerly Invitae), Labcorp
Classification: Uncertain significance for Progressive familial heart block type IB. Last evaluated: 2023-11-07. Review status: criteria provided, single submitter. Criteria: Invitae Variant Classification Sherloc (09022015). Collection method: clinical testing. Allele origin: germline.
Comment: This sequence change replaces arginine, which is basic and polar, with lysine, which is basic and polar, at codon 637 of the TRPM4 protein (p.Arg637Lys). This variant is present in population databases (rs754840657, gnomAD 0.003%). This variant has not been reported in the literature in individuals affected with TRPM4-related conditions. An algorithm developed to predict the effect of missense changes on protein structure and function (PolyPhen-2) suggests that this variant is likely to be disruptive. In summary, the available evidence is currently insufficient to determine the role of this variant in disease. Therefore, it has been classified as a Variant of Uncertain Significance.

NM_017636.4(TRPM4):c.1910G>A (p.Arg637Lys)

Gene: TRPM4 (transient receptor potential cation channel subfamily M member 4; plus strand). Cytogenetic location: 19q13.33.
Variant type: single nucleotide variant.
Coding change: c.1910G>A on transcript NM_017636.4 (MANE Select); coding-DNA position 1910, G replaced by A.
Protein change: p.Arg637Lys; replaces arginine 637 with lysine.
Molecular consequence: missense variant.
Genome position (GRCh38, 1-based): chr19:49,188,982, G>A. VCF-style: chr19-49188982-G-A. GRCh37 (hg19) VCF-style: chr19-49692239-G-A.
Other names: c.1910G>A, p.Arg637Lys (NM_001195227.2); c.1565G>A, p.Arg522Lys (NM_001321281.2); c.302G>A, p.Arg101Lys (NM_001321282.2); c.1388G>A, p.Arg463Lys (NM_001321283.2); c.848G>A, p.Arg283Lys (NM_001321285.2); short protein forms R283K, R463K, R637K, R101K, R522K.
Identifiers: ClinVar variation 2975528 (VCV002975528.3), dbSNP rs754840657, ClinGen allele CA9569379.